The following is an entry in ClinVar:

ClinVar aggregate classification (germline): Uncertain significance. Review status: criteria provided, multiple submitters, no conflicts (2 of 4 stars). 2 submissions from 2 submitters: Uncertain significance (2). Last evaluated 2025-07-16.

Conditions:
Inborn genetic diseases. Identifiers: MedGen C0950123, MeSH D030342.
Hepatic veno-occlusive disease-immunodeficiency syndrome. Also called: Hepatic Veno-Occlusive Disease with Immunodeficiency. Identifiers: Orphanet 79124, MedGen C1856128, MONDO:0009338, OMIM 235550. Disease mechanism: loss of function.

Allele frequency attached by ClinVar (database versions not stated): gnomAD exomes below 0.00001 and 0.00002; ExAC 0.00001; TOPMed 0.00002; gnomAD 0.00003; ESP Exome Variant Server 0.00008.
gnomAD v4.1: 31 of 1,610,212 alleles (0.0019%); highest among the groups gnomAD compares: Non-Finnish European, 0.0026%; no homozygotes.

Submissions (3):

Ambry Genetics
Classification: Uncertain significance for Inborn genetic diseases. Last evaluated: 2025-07-16. Review status: criteria provided, single submitter. Criteria: Ambry Variant Classification Scheme 2023. Collection method: clinical testing. Allele origin: germline.

Labcorp Genetics (formerly Invitae), Labcorp
Classification: Uncertain significance for Hepatic veno-occlusive disease-immunodeficiency syndrome. Last evaluated: 2018-11-05. Review status: criteria provided, single submitter. Criteria: Invitae Variant Classification Sherloc (09022015). Collection method: clinical testing. Allele origin: germline.
Comment: This sequence change replaces tyrosine with cysteine at codon 476 of the SP110 protein (p.Tyr476Cys). The tyrosine residue is moderately conserved and there is a large physicochemical difference between tyrosine and cysteine. This variant is present in population databases (rs148808440, ExAC 0.002%). This variant has not been reported in the literature in individuals with SP110-related disease. Algorithms developed to predict the effect of missense changes on protein structure and function are either unavailable or do not agree on the potential impact of this missense change (SIFT: "Deleterious"; PolyPhen-2: "Probably Damaging"; Align-GVGD: "Class C0"). Algorithms developed to predict the effect of sequence changes on RNA splicing suggest that this variant may create or strengthen a splice site, but this prediction has not been confirmed by published transcriptional studies. In summary, the available evidence is currently insufficient to determine the role of this variant in disease. Therefore, it has been classified as a Variant of Uncertain Significance.

Dr. Peter K. Rogan Lab, Western University
No classification provided (evidence only). Condition: Clear cell carcinoma of kidney. Review status: no classification provided. Collection method: in vitro. Allele origin: not applicable. Functional consequence: retained intron. Not counted in ClinVar's aggregate classification.

NM_080424.4(SP110):c.1427A>G (p.Tyr476Cys)

Gene: SP110 (SP110 nuclear body protein; minus strand). Cytogenetic location: 2q37.1.
Variant type: single nucleotide variant.
Coding change: c.1427A>G on transcript NM_080424.4 (MANE Select); coding-DNA position 1427, A replaced by G.
Protein change: p.Tyr476Cys; replaces tyrosine 476 with cysteine.
Molecular consequence: missense variant.
Genome position (GRCh38, 1-based): chr2:230,178,177, T>C on the plus strand (A>G on the coding strand, the complement: SP110 is on the minus strand). VCF-style: chr2-230178177-T-C. GRCh37 (hg19) VCF-style: chr2-231042893-T-C.
Other names: c.1445A>G, p.Tyr482Cys (NM_001185015.2, NM_001378442.1, NM_001378444.1 and 2 more transcripts); c.1427A>G, p.Tyr476Cys (NM_001378443.1, NM_004509.5, NM_004510.4); c.1277A>G, p.Tyr426Cys (NM_001378447.1); short protein forms Y482C, Y476C, Y426C.
Identifiers: ClinVar variation 661673 (VCV000661673.10), dbSNP rs148808440, ClinGen allele CA2154506.